The following is an entry in ClinVar:

NM_001080517.3(SETD5):c.3679A>G (p.Lys1227Glu)

Gene: SETD5 (SET domain containing 5; plus strand). Cytogenetic location: 3p25.3.
Variant type: single nucleotide variant.
Coding change: c.3679A>G on transcript NM_001080517.3 (MANE Select); coding-DNA position 3679, A replaced by G.
Protein change: p.Lys1227Glu; replaces lysine 1227 with glutamic acid.
Molecular consequence: missense variant.
Genome position (GRCh38, 1-based): chr3:9,475,115, A>G. VCF-style: chr3-9475115-A-G. GRCh37 (hg19) VCF-style: chr3-9516799-A-G.
Other names: c.3385A>G, p.Lys1129Glu (NM_001292043.2, NM_001349451.2); short protein forms K1129E, K1227E.
Identifiers: ClinVar variation 3233478 (VCV003233478.2), dbSNP rs2045726835, ClinGen allele CA351690160.

ClinVar aggregate classification (germline): Uncertain significance (1 of 4 stars; one submission).

Allele frequency attached by ClinVar (database versions not stated): gnomAD exomes below 0.00001; TOPMed below 0.00001; gnomAD 0.00001.
gnomAD v4.1: 4 of 1,592,906 alleles (0.00025%); highest among the groups gnomAD compares: Non-Finnish European, 0.00034%; no homozygotes.

Submission:

Women's Health and Genetics/Laboratory Corporation of America, LabCorp
Classification: Uncertain significance. Last evaluated: 2024-03-12. Review status: criteria provided, single submitter. Criteria: LabCorp Variant Classification Summary - May 2015. Collection method: clinical testing. Allele origin: germline.
Comment: Variant summary: SETD5 c.3679A>G (p.Lys1227Glu) results in a conservative amino acid change in the encoded protein sequence. Three of five in-silico tools predict a damaging effect of the variant on protein function. The frequency data for this variant in gnomAD is considered unreliable, as metrics indicate poor data quality at this position. To our knowledge, no occurrence of c.3679A>G in individuals affected with Mental Retardation, Autosomal Dominant 23 and no experimental evidence demonstrating its impact on protein function have been reported. No submitters have cited clinical-significance assessments for this variant to ClinVar. Based on the evidence outlined above, the variant was classified as uncertain significance.